The following is an entry in ClinVar:

NM_004818.3(DDX23):c.2379C>T (p.Pro793=)

Gene: DDX23 (DEAD-box helicase 23; minus strand). Cytogenetic location: 12q13.12.
Variant type: single nucleotide variant.
Coding change: c.2379C>T on transcript NM_004818.3 (MANE Select); coding-DNA position 2379, C replaced by T.
Protein change: p.Pro793=; no amino-acid change (proline 793 retained).
Molecular consequence: synonymous variant.
Genome position (GRCh38, 1-based): chr12:48,830,553, G>A on the plus strand (C>T on the coding strand, the complement: DDX23 is on the minus strand). VCF-style: chr12-48830553-G-A. GRCh37 (hg19) VCF-style: chr12-49224336-G-A.
Identifiers: ClinVar variation 3904795 (VCV003904795.10).

ClinVar aggregate classification (germline): Likely benign (1 of 4 stars; one submission).

gnomAD v4.1: 6,295 of 1,613,804 alleles (0.39%); highest among the groups gnomAD compares: Middle Eastern, 0.91%; 14 homozygotes.

Submission:

CeGaT Center for Human Genetics Tuebingen
Classification: Likely benign. Last evaluated: 2026-06-01. Review status: criteria provided, single submitter. Criteria: CeGaT Center For Human Genetics Tuebingen Variant Classification Criteria Version 2. Collection method: clinical testing. Allele origin: germline. Affected: yes. Observed: 7 variant alleles.
Comment: DDX23: BP4, BP7, BS2